The following is an entry in ClinVar:

ClinVar aggregate classification (germline): Pathogenic (1 of 4 stars; one submission).

Conditions:
Progressive myoclonic epilepsy type 3. Also called: EPILEPSY, PROGRESSIVE MYOCLONIC, 3, WITH OR WITHOUT INTRACELLULAR INCLUSIONS; CEROID LIPOFUSCINOSIS, NEURONAL, 14; EPILEPSY, PROGRESSIVE MYOCLONIC, 3, WITHOUT INTRACELLULAR INCLUSIONS; KCTD7-Related Progressive Myoclonic Epilepsy. Identifiers: Orphanet 263516, MedGen C2673257, MONDO:0012721, OMIM 611726.

Submission:

Labcorp Genetics (formerly Invitae), Labcorp
Classification: Pathogenic for Progressive myoclonic epilepsy type 3. Last evaluated: 2021-07-09. Review status: criteria provided, single submitter. Criteria: Invitae Variant Classification Sherloc (09022015). Collection method: clinical testing. Allele origin: germline.
Comment: For these reasons, this variant has been classified as Pathogenic. This variant has not been reported in the literature in individuals with KCTD7-related conditions. This variant is not present in population databases (ExAC no frequency). This sequence change creates a premature translational stop signal (p.Leu111Cysfs*37) in the KCTD7 gene. It is expected to result in an absent or disrupted protein product. Loss-of-function variants in KCTD7 are known to be pathogenic (PMID: 22693283).

Literature cited by the submitters: PubMed 22693283.

NM_153033.5(KCTD7):c.331del (p.Leu111fs)

Gene: KCTD7 (potassium channel tetramerization domain containing 7; plus strand). Cytogenetic location: 7q11.21.
Variant type: Deletion.
Coding change: c.331del on transcript NM_153033.5 (MANE Select); coding-DNA position 331, one base deleted (C; older notation c.331delC).
Protein change: p.Leu111fs; shifts the reading frame from leucine 111.
Molecular consequence: frameshift variant.
Genome position (GRCh38, 1-based): chr7:66,638,269, C deleted; the last of 2 consecutive C bases (chr7:66,638,268-66,638,269); deleting either gives the same sequence. VCF-style (leftmost placement, unchanged base first): chr7-66638267-TC-T. GRCh37 (hg19) VCF-style: chr7-66103254-TC-T.
Other names: c.331del, p.Leu111fs (NM_001167961.2); short protein forms L111fs.
Identifiers: ClinVar variation 860762 (VCV000860762.9), dbSNP rs1786631768, ClinGen allele CA916082929.